The following is an entry in ClinVar:

NM_033026.6(PCLO):c.2830A>G (p.Asn944Asp)

Gene: PCLO (piccolo presynaptic cytomatrix protein; minus strand). Cytogenetic location: 7q21.11.
Variant type: single nucleotide variant.
Coding change: c.2830A>G on transcript NM_033026.6 (MANE Select); coding-DNA position 2830, A replaced by G.
Protein change: p.Asn944Asp; replaces asparagine 944 with aspartic acid.
Molecular consequence: missense variant.
Genome position (GRCh38, 1-based): chr7:83,134,720, T>C on the plus strand (A>G on the coding strand, the complement: PCLO is on the minus strand). VCF-style: chr7-83134720-T-C. GRCh37 (hg19) VCF-style: chr7-82764036-T-C.
Other names: c.2830A>G, p.Asn944Asp (NM_014510.3); c.2830A>G (NM_033026.5); short protein forms N944D.
Identifiers: ClinVar variation 1486860 (VCV001486860.9), dbSNP rs1407164194, ClinGen allele CA367898666.
Genomic context (GRCh38, chr7:83,134,720, plus strand): 5'-TTGGGGCCCCTGGTCCACTTTGTGAATGAGGTCCAGGTTGGCCTGCAGTGGAAATTAAAT[T>C]TGATGCCTGGCTGAAGATTGATGCTCCAAACCCAAAGAGTTTCCCAGTCACGGTCTCTTG-3'
Protein context (NP_149015.2, residues 934-954): FGASIFSQAS[Asn944Asp]LISTAGQPGP

ClinVar aggregate classification (germline): Uncertain significance. Review status: criteria provided, multiple submitters, no conflicts (2 of 4 stars). 2 submissions from 2 submitters: Uncertain significance (2). Last evaluated 2025-11-19.

Conditions:
Inborn genetic diseases. Identifiers: MedGen C0950123, MeSH D030342.

Allele frequency attached by ClinVar (database versions not stated): gnomAD exomes below 0.00001; gnomAD 0.00001.
gnomAD v4.1: 3 of 1,613,784 alleles (0.00019%); highest among the groups gnomAD compares: African/African-American, 0.004%; no homozygotes.

Submissions (2):

Ambry Genetics
Classification: Uncertain significance for Inborn genetic diseases. Last evaluated: 2025-11-19. Review status: criteria provided, single submitter. Criteria: Ambry Variant Classification Scheme 2023. Collection method: clinical testing. Allele origin: germline.
Comment: The c.2830A>G (p.N944D) alteration is located in exon 3 (coding exon 3) of the PCLO gene. This alteration results from a A to G substitution at nucleotide position 2830, causing the asparagine (N) at amino acid position 944 to be replaced by an aspartic acid (D). Based on data from gnomAD, the G allele has an overall frequency of <0.001% (1/248650) total alleles studied. The highest observed frequency was 0.007% (1/15454) of African alleles. Based on insufficient or conflicting evidence, the clinical significance of this alteration remains unclear.

Labcorp Genetics (formerly Invitae), Labcorp
Classification: Uncertain significance. Last evaluated: 2025-10-22. Review status: criteria provided, single submitter. Criteria: Invitae Variant Classification Sherloc (09022015). Collection method: clinical testing. Allele origin: germline.
Comment: This sequence change replaces asparagine, which is neutral and polar, with aspartic acid, which is acidic and polar, at codon 944 of the PCLO protein (p.Asn944Asp). This variant is not present in population databases (gnomAD no frequency). This variant has not been reported in the literature in individuals affected with PCLO-related conditions. ClinVar contains an entry for this variant (Variation ID: 1486860). Experimental studies and prediction algorithms are not available or were not evaluated, and the functional significance of this variant is currently unknown. In summary, the available evidence is currently insufficient to determine the role of this variant in disease. Therefore, it has been classified as a Variant of Uncertain Significance.